The following is an entry in ClinVar:

ClinVar aggregate classification (germline): Uncertain significance (1 of 4 stars; one submission).

Submission:

Labcorp Genetics (formerly Invitae), Labcorp
Classification: Uncertain significance. Last evaluated: 2026-01-04. Review status: criteria provided, single submitter. Criteria: Invitae Variant Classification Sherloc (09022015). Collection method: clinical testing. Allele origin: germline.
Comment: This sequence change replaces threonine, which is neutral and polar, with proline, which is neutral and non-polar, at codon 425 of the CFI protein (p.Thr425Pro). This variant is not present in population databases (gnomAD no frequency). This variant has not been reported in the literature in individuals affected with CFI-related conditions. Invitae Evidence Modeling of protein sequence and biophysical properties (such as structural, functional, and spatial information, amino acid conservation, physicochemical variation, residue mobility, and thermodynamic stability) indicates that this missense variant is not expected to disrupt CFI protein function with a negative predictive value of 95%. In summary, the available evidence is currently insufficient to determine the role of this variant in disease. Therefore, it has been classified as a Variant of Uncertain Significance.

NM_000204.5(CFI):c.1273A>C (p.Thr425Pro)

Gene: CFI (complement factor I; minus strand). Cytogenetic location: 4q25.
Variant type: single nucleotide variant.
Coding change: c.1273A>C on transcript NM_000204.5 (MANE Select); coding-DNA position 1273, A replaced by C.
Protein change: p.Thr425Pro; replaces threonine 425 with proline.
Molecular consequence: missense variant. On other transcripts: non-coding transcript variant (2).
Genome position (GRCh38, 1-based): chr4:109,746,378, T>G on the plus strand (A>C on the coding strand, the complement: CFI is on the minus strand). VCF-style: chr4-109746378-T-G. GRCh37 (hg19) VCF-style: chr4-110667534-T-G.
Other names: c.1297A>C, p.Thr433Pro (NM_001318057.2, NM_001375278.1, NM_001440988.1); c.1252A>C, p.Thr418Pro (NM_001331035.2, NM_001375280.1, NM_001375282.1 and 1 more transcripts); c.1273A>C, p.Thr425Pro (NM_001375279.1, NM_001375281.1, NM_001440989.1); c.1216A>C, p.Thr406Pro (NM_001375283.1); c.664A>C, p.Thr222Pro (NM_001375284.1); c.1294A>C, p.Thr432Pro (NM_001440985.1, NM_001440986.1); short protein forms T222P, T406P, T425P, T432P, T433P, T418P.
Identifiers: ClinVar variation 4698125 (VCV004698125.1).